The following is an entry in ClinVar:

NM_005236.3(ERCC4):c.2463A>G (p.Pro821=)

Gene: ERCC4 (ERCC excision repair 4, endonuclease catalytic subunit; plus strand). Cytogenetic location: 16p13.12.
Variant type: single nucleotide variant.
Coding change: c.2463A>G on transcript NM_005236.3 (MANE Select); coding-DNA position 2463, A replaced by G.
Protein change: p.Pro821=; no amino-acid change (proline 821 retained).
Molecular consequence: synonymous variant.
Genome position (GRCh38, 1-based): chr16:13,948,059, A>G. VCF-style: chr16-13948059-A-G. GRCh37 (hg19) VCF-style: chr16-14041916-A-G.
Identifiers: ClinVar variation 240123 (VCV000240123.20), dbSNP rs2020953, ClinGen allele CA7910745.

ClinVar aggregate classification (germline): Benign/Likely benign. Review status: criteria provided, multiple submitters, no conflicts (2 of 4 stars). 6 submissions from 6 submitters: Benign (4); Likely benign (1). 1 of the submissions does not count toward it. Last evaluated 2026-02-01.

Conditions:
Xeroderma pigmentosum, group F (XPF). Also called: XERODERMA PIGMENTOSUM, COMPLEMENTATION GROUP F; ERCC4-Related Xeroderma Pigmentosum; XERODERMA PIGMENTOSUM VI; XP, GROUP F; XERODERMA PIGMENTOSUM, TYPE F; Xeroderma pigmentosum, type 6. Identifiers: MedGen C0268140, MONDO:0010215, OMIM 278760.
Cockayne syndrome. Identifiers: Orphanet 191, MedGen C0009207, MONDO:0016006.
Fanconi anemia complementation group Q. Identifiers: Orphanet 84, MedGen C3808988, MONDO:0014108, OMIM 615272.
ERCC4-related disorder. Also called: ERCC4-related condition.

Allele frequency attached by ClinVar (database versions not stated): gnomAD exomes 0.00187; ExAC 0.00226; 1000 Genomes Project 30x 0.00515; 1000 Genomes Project 0.00579; gnomAD 0.00653 and 0.00706; TOPMed 0.00787; ESP Exome Variant Server 0.00924.
gnomAD v4.1: 1,996 of 1,614,184 alleles (0.12%); highest among the groups gnomAD compares: African/African-American, 2.2%; 29 homozygotes.

Submissions (6):

Labcorp Genetics (formerly Invitae), Labcorp
Classification: Benign for Fanconi anemia complementation group Q; Xeroderma pigmentosum, group F; Cockayne syndrome. Last evaluated: 2026-02-01. Review status: criteria provided, single submitter. Criteria: Invitae Variant Classification Sherloc (09022015). Collection method: clinical testing. Allele origin: germline.

Blueprint Genetics
Classification: Likely benign. Last evaluated: 2024-11-26. Review status: criteria provided, single submitter. Criteria: ACMG Guidelines, 2015. Collection method: clinical testing. Allele origin: germline.

ARUP Laboratories, Molecular Genetics and Genomics, ARUP Laboratories
Classification: Benign. Last evaluated: 2024-05-01. Review status: criteria provided, single submitter. Criteria: ARUP Molecular Germline Variant Investigation Process 2024. Collection method: clinical testing. Allele origin: germline.

Illumina Laboratory Services, Illumina
Classification: Benign for Xeroderma pigmentosum, group F. Last evaluated: 2018-01-13. Review status: criteria provided, single submitter. Criteria: ICSL Variant Classification Criteria 13 December 2019. Collection method: clinical testing. Allele origin: germline.
Comment: This variant was observed in the ICSL laboratory as part of a predisposition screen in an ostensibly healthy population. It had not been previously curated by ICSL or reported in the Human Gene Mutation Database (HGMD: prior to June 1st, 2018), and was therefore a candidate for classification through an automated scoring system. Utilizing variant allele frequency, disease prevalence and penetrance estimates, and inheritance mode, an automated score was calculated to assess if this variant is too frequent to cause the disease. Based on the score and internal cut-off values, a variant classified as benign is not then subjected to further curation. The score for this variant resulted in a classification of benign for this disease.

Breakthrough Genomics
Classification: Benign. Review status: criteria provided, single submitter. Criteria: ACMG Guidelines, 2015. Collection method: not provided. Allele origin: germline. Inheritance: Autosomal recessive inheritance. Affected: yes.

PreventionGenetics, part of Exact Sciences
Classification: Benign for ERCC4-related condition. Last evaluated: 2019-09-16. Review status: no assertion criteria provided. Collection method: clinical testing. Allele origin: germline. Not counted in ClinVar's aggregate classification.
Comment: This variant is classified as benign based on ACMG/AMP sequence variant interpretation guidelines (Richards et al. 2015 PMID: 25741868, with internal and published modifications).